The following is an entry in ClinVar:

ClinVar aggregate classification (germline): Likely pathogenic (1 of 4 stars; one submission).

Conditions:
Polycystic kidney disease 4 (PKD4). Also called: POLYCYSTIC KIDNEY AND HEPATIC DISEASE 1; POLYCYSTIC KIDNEY DISEASE, INFANTILE, TYPE I; PKD3; Autosomal Recessive Polycystic Kidney Disease – PKHD1; POLYCYSTIC KIDNEY DISEASE 4 WITH OR WITHOUT POLYCYSTIC LIVER DISEASE. Identifiers: MedGen C4540575, MONDO:0033004, OMIM 263200.

Submission:

Neuberg Centre For Genomic Medicine, NCGM
Classification: Likely pathogenic for Polycystic kidney disease 4. Last evaluated: 2023-06-22. Review status: criteria provided, single submitter. Criteria: ACMG Guidelines, 2015. Collection method: clinical testing. Allele origin: germline. Inheritance: Autosomal recessive inheritance. Affected: yes.
Comment: The frameshift variant c.5981del (p.Gly1994GlufsTer39) in the PKHD1 gene has not been reported previously as a pathogenic variant nor as a benign variant, to our knowledge. The variant is absent in gnomAD Exomes. This variant causes a frameshift starting with codon Glycine 1994, changes this amino acid to Glutamic Acid residue, and creates a premature Stop codon at position 39 of the new reading frame. This variant is predicted to cause loss of normal protein function through protein truncation. Loss of function variants have been previously reported to be disease causing (Michel-Calemard et al., 2009). For these reasons, this variant has been classified as Likely Pathogenic.

NM_138694.4(PKHD1):c.5981del (p.Gly1994fs)

Gene: PKHD1 (PKHD1 ciliary IPT domain containing fibrocystin/polyductin; minus strand). Cytogenetic location: 6p12.2.
Variant type: Deletion.
Coding change: c.5981del on transcript NM_138694.4 (MANE Select); coding-DNA position 5981, one base deleted (G; older notation c.5981delG).
Protein change: p.Gly1994fs; shifts the reading frame from glycine 1994.
Molecular consequence: frameshift variant.
Genome position (GRCh38, 1-based): chr6:51,934,250, C deleted on the plus strand (G on the coding strand, the reverse complement: PKHD1 is on the minus strand); the first of 2 consecutive C bases (chr6:51,934,250-51,934,251); deleting either gives the same sequence. VCF-style (leftmost placement, unchanged base first): chr6-51934249-TC-T. GRCh37 (hg19) VCF-style: chr6-51799047-TC-T.
Other names: c.5981del, p.Gly1994fs (NM_170724.3); short protein forms G1994fs.
Identifiers: ClinVar variation 3603304 (VCV003603304.1).